The following is an entry in ClinVar:

ClinVar aggregate classification (germline): Conflicting classifications of pathogenicity. Review status: criteria provided, conflicting classifications (1 of 4 stars). 6 submissions from 6 submitters: Uncertain significance (1); Likely benign (4). 1 of the submissions does not count toward it. Last evaluated 2025-10-05.

Conditions:
Hereditary cancer-predisposing syndrome. Also called: Hereditary Cancer Syndrome; Hereditary neoplastic syndrome; Neoplastic Syndromes, Hereditary; Tumor predisposition. Identifiers: Orphanet 140162, MedGen C0027672, MeSH D009386, MONDO:0015356.
Hereditary breast ovarian cancer syndrome. Also called: BRCA1- and BRCA2-Associated Hereditary Breast and Ovarian Cancer; Hereditary breast and ovarian cancer syndrome; Hereditary breast and ovarian cancer syndrome (HBOC); Breast and ovarian cancer; Hereditary breast and/or ovarian cancer syndrome; Hereditary breast and ovarian cancer. Identifiers: Orphanet 145, MedGen C0677776, MeSH D061325, MONDO:0003582. Disease mechanism: loss of function.
Breast-ovarian cancer, familial, susceptibility to, 1 (BROVCA1). Also called: BRCA1 Hereditary Breast and Ovarian Cancer; OVARIAN CANCER, SUSCEPTIBILITY TO. Identifiers: Orphanet 145, MedGen C2676676, MONDO:0011450, OMIM 604370. Disease mechanism: loss of function.

Allele frequency attached by ClinVar (database versions not stated): gnomAD exomes below 0.00001; gnomAD 0.00001; ExAC 0.00001.
gnomAD v4.1: 2 of 1,613,404 alleles (0.00012%); highest among the groups gnomAD compares: African/African-American, 0.0027%; no homozygotes.

Submissions (7):

Labcorp Genetics (formerly Invitae), Labcorp
Classification: Likely benign for Hereditary breast ovarian cancer syndrome. Last evaluated: 2025-10-05. Review status: criteria provided, single submitter. Criteria: Invitae Variant Classification Sherloc (09022015). Collection method: clinical testing. Allele origin: germline.

Women's Health and Genetics/Laboratory Corporation of America, LabCorp
Classification: Likely benign. Last evaluated: 2024-09-03. Review status: criteria provided, single submitter. Criteria: LabCorp Variant Classification Summary - May 2015. Collection method: clinical testing. Allele origin: germline.
Comment: Variant summary: BRCA1 c.61A>G (p.Ile21Val) results in a conservative amino acid change in the encoded protein sequence. Three of five in-silico tools predict a benign effect of the variant on protein function. The variant allele was found at a frequency of 4e-06 in 251082 control chromosomes. The available data on variant occurrences in the general population are insufficient to allow any conclusion about variant significance. c.61A>G has been reported in the literature in individuals affected with breast cancer, however without strong evidence for causality (e.g., Li_2014, Ransburgh_2010). These report(s) do not provide unequivocal conclusions about association of the variant with Hereditary Breast And Ovarian Cancer Syndrome. Co-occurrences with other pathogenic variant(s) have been reported (BRCA2 c.5946delT, p.Ser1982ArgfsX22) (NHGRI BIC Database, Accession: 1158), providing supporting evidence for a benign role. Several publications report experimental evidence evaluating an impact on protein function and showed no damaging effect of this variant on homology directed repair (HDR) activity (e.g. Findlay_2018, Ransburgh_2010). HDR assays qualify as a recognized gold standard on the basis of updated guidance provided by the ClinGen Sequence Variant Interpretation (SVI) working group. The following publications have been ascertained in the context of this evaluation (PMID: 30209399, 24675476, 20103620). ClinVar contains an entry for this variant (Variation ID: 55648). Based on the evidence outlined above, the variant was classified as likely benign.

Color Diagnostics, LLC DBA Color Health
Classification: Uncertain significance for Hereditary cancer-predisposing syndrome. Last evaluated: 2019-06-18. Review status: criteria provided, single submitter. Criteria: ACMG Guidelines, 2015. Collection method: clinical testing. Allele origin: germline.

Quest Diagnostics Nichols Institute San Juan Capistrano
Classification: Likely benign. Last evaluated: 2019-05-17. Review status: criteria provided, single submitter. Criteria: Quest Diagnostics criteria. Collection method: clinical testing. Allele origin: germline.

Ambry Genetics
Classification: Likely benign for Hereditary cancer-predisposing syndrome. Last evaluated: 2016-06-29. Review status: criteria provided, single submitter. Criteria: Ambry Variant Classification Scheme 2023. Collection method: clinical testing. Allele origin: germline.

Breast Cancer Information Core (BIC) (BRCA1)
Classification: Uncertain significance for Breast-ovarian cancer, familial 1. Last evaluated: 1999-03-24. Review status: no assertion criteria provided. Collection method: clinical testing. Allele origin: germline. Affected: yes. Observed: 1 variant allele. Not counted in ClinVar's aggregate classification.

Brotman Baty Institute, University of Washington
No classification provided (evidence only). Condition: Breast-ovarian cancer, familial 1. Review status: no classification provided. Collection method: in vitro. Allele origin: not applicable. Functional consequence: functionally_normal. Not counted in ClinVar's aggregate classification.
ClinVar note: "not provided" was previously submitted as the classification for the variant. However, the classification appeared to be based only on an observation of functional data so it was converted to no classification on 2025-07-30.

Literature cited by the submitters: PubMed 20103620 (cited by 3 submitters); PubMed 24675476 (cited by Women's Health and Genetics/Laboratory Corporation of America, LabCorp); PubMed 30209399 (cited by Women's Health and Genetics/Laboratory Corporation of America, LabCorp); PubMed 11320250 (cited by Quest Diagnostics Nichols Institute San Juan Capistrano and Ambry Genetics); PubMed 21725363 (cited by Quest Diagnostics Nichols Institute San Juan Capistrano and Ambry Genetics); PubMed 21372787 (cited by Quest Diagnostics Nichols Institute San Juan Capistrano and Ambry Genetics); PubMed 18493658 (cited by Quest Diagnostics Nichols Institute San Juan Capistrano); PubMed 25823446 (cited by Quest Diagnostics Nichols Institute San Juan Capistrano); PubMed 23161852 (cited by Quest Diagnostics Nichols Institute San Juan Capistrano and Ambry Genetics); PubMed 7894491 (cited by Ambry Genetics).

NM_007294.4(BRCA1):c.61A>G (p.Ile21Val)

Gene: BRCA1 (BRCA1 DNA repair associated; minus strand). Cytogenetic location: 17q21.31.
Variant type: single nucleotide variant.
Coding change: c.61A>G on transcript NM_007294.4 (MANE Select); coding-DNA position 61, A replaced by G.
Protein change: p.Ile21Val; replaces isoleucine 21 with valine.
Molecular consequence: missense variant. On other transcripts: 5 prime UTR variant (1), non-coding transcript variant (1).
Genome position (GRCh38, 1-based): chr17:43,124,036, T>C on the plus strand (A>G on the coding strand, the complement: BRCA1 is on the minus strand). VCF-style: chr17-43124036-T-C. GRCh37 (hg19) VCF-style: chr17-41276053-T-C.
Other names: c.-146A>G (NM_001407726.1, NM_001407751.1); c.-197A>G (NM_001407727.1, NM_001407731.1, NM_001407733.1 and 11 more transcripts); c.-200A>G (NM_001407730.1, NM_001407734.1, NM_001407739.1 and 22 more transcripts); c.-27A>G (NM_001407732.1, NM_001407736.1, NM_001407738.1 and 23 more transcripts); c.-204A>G (NM_001407741.1, NM_001407934.1, NM_001408497.1); c.-77A>G (NM_001407841.1); c.-226A>G (NM_001407846.1, NM_001407920.1, NM_001407697.1); c.-128A>G (NM_001407853.1, NM_001407879.1, NM_001407882.1 and 46 more transcripts); and 8 more; short protein forms I21V.
Identifiers: ClinVar variation 55648 (VCV000055648.24), dbSNP rs80357406, ClinGen allele CA003764.